The following is an entry in ClinVar:

ClinVar aggregate classification (germline): Uncertain significance. Review status: criteria provided, multiple submitters, no conflicts (2 of 4 stars). 2 submissions from 2 submitters: Uncertain significance (2). Last evaluated 2025-08-12.

Allele frequency attached by ClinVar (database versions not stated): gnomAD 0.00002; ESP Exome Variant Server 0.00008; TOPMed 0.00004; ExAC 0.00001; gnomAD exomes 0.00002.

Submissions (2):

Labcorp Genetics (formerly Invitae), Labcorp
Classification: Uncertain significance. Last evaluated: 2025-08-12. Review status: criteria provided, single submitter. Criteria: Invitae Variant Classification Sherloc (09022015). Collection method: clinical testing. Allele origin: germline.
Comment: This sequence change replaces glutamine, which is neutral and polar, with histidine, which is basic and polar, at codon 40 of the POLD2 protein (p.Gln40His). This variant is present in population databases (rs148158174, gnomAD 0.003%). This variant has not been reported in the literature in individuals affected with POLD2-related conditions. ClinVar contains an entry for this variant (Variation ID: 3005580). Experimental studies and prediction algorithms are not available or were not evaluated, and the functional significance of this variant is currently unknown. In summary, the available evidence is currently insufficient to determine the role of this variant in disease. Therefore, it has been classified as a Variant of Uncertain Significance.

Ambry Genetics
Classification: Uncertain significance. Last evaluated: 2024-02-12. Review status: criteria provided, single submitter. Criteria: Ambry Variant Classification Scheme 2023. Collection method: clinical testing. Allele origin: germline.

NM_006230.4(POLD2):c.15G>C (p.Gln5His)

Gene: POLD2 (DNA polymerase delta 2, accessory subunit; minus strand). Cytogenetic location: 7p13.
Variant type: single nucleotide variant.
Coding change: c.15G>C on transcript NM_006230.4 (MANE Select); coding-DNA position 15, G replaced by C.
Protein change: p.Gln5His; replaces glutamine 5 with histidine.
Molecular consequence: missense variant.
Genome position (GRCh38, 1-based): chr7:44,122,039, C>G on the plus strand (G>C on the coding strand, the complement: POLD2 is on the minus strand). VCF-style: chr7-44122039-C-G. GRCh37 (hg19) VCF-style: chr7-44161638-C-G.
Other names: c.15G>C, p.Gln5His (NM_001127218.3, NM_001256879.2); c.15G>C (NM_001127218.1); short protein forms Q5H.
Identifiers: ClinVar variation 3005580 (VCV003005580.4), dbSNP rs148158174, ClinGen allele CA4238994.